The following is an entry in ClinVar:

ClinVar aggregate classification (germline): Uncertain significance (1 of 4 stars; one submission).

Conditions:
Inborn genetic diseases. Identifiers: MedGen C0950123, MeSH D030342.

gnomAD v4.1: 1 of 1,614,084 alleles (0.000062%); highest among the groups gnomAD compares: Non-Finnish European, 0.000085%; no homozygotes.

Submission:

Ambry Genetics
Classification: Uncertain significance for Inborn genetic diseases. Last evaluated: 2026-06-23. Review status: criteria provided, single submitter. Criteria: Ambry Variant Classification Scheme 2023. Collection method: clinical testing. Allele origin: germline.
Comment: The c.605C>T (p.T202M) alteration is located in exon 3 (coding exon 3) of the GABBR2 gene. This alteration results from a C to T substitution at nucleotide position 605, causing the threonine (T) at amino acid position 202 to be replaced by a methionine (M). Based on data from gnomAD, the T allele has an overall frequency of 0.003% (1/31408) total alleles studied. The highest observed frequency was 0.007% (1/15430) of European (non-Finnish) alleles. Based on insufficient or conflicting evidence, the clinical significance of this alteration remains unclear.

NM_005458.8(GABBR2):c.605C>T (p.Thr202Met)

Gene: GABBR2 (gamma-aminobutyric acid type B receptor subunit 2; minus strand). Cytogenetic location: 9q22.33.
Variant type: single nucleotide variant.
Coding change: c.605C>T on transcript NM_005458.8 (MANE Select); coding-DNA position 605, C replaced by T.
Protein change: p.Thr202Met; replaces threonine 202 with methionine.
Molecular consequence: missense variant.
Genome position (GRCh38, 1-based): chr9:98,541,898, G>A on the plus strand (C>T on the coding strand, the complement: GABBR2 is on the minus strand). VCF-style: chr9-98541898-G-A. GRCh37 (hg19) VCF-style: chr9-101304180-G-A.
Other names: short protein forms T202M.
Identifiers: ClinVar variation 5022111 (VCV005022111.1).
Genomic context (GRCh38, chr9:98,541,898, plus strand): 5'-GTAAGGCAGGCCGTGTCCACACAAGCCGAGCGTACCTCAGAGAACCTCTGAACGTCTTGC[G>A]TCAGCGTGCCCACGCGCTTCCACTGGTAGTGCTTGAGCAACTTCAGAATGGCTGGATTCA-3'
Protein context (NP_005449.5, residues 192-212): HYQWKRVGTL[Thr202Met]QDVQRFSEVR